The following is an entry in ClinVar:

ClinVar aggregate classification (germline): Uncertain significance (1 of 4 stars; one submission).

Allele frequency attached by ClinVar (database versions not stated): gnomAD exomes 0.00001.
gnomAD v4.1: 12 of 1,613,964 alleles (0.00074%); highest among the groups gnomAD compares: Non-Finnish European, 0.001%; no homozygotes.

Submission:

Labcorp Genetics (formerly Invitae), Labcorp
Classification: Uncertain significance. Last evaluated: 2022-11-22. Review status: criteria provided, single submitter. Criteria: Invitae Variant Classification Sherloc (09022015). Collection method: clinical testing. Allele origin: germline.
Comment: In summary, the available evidence is currently insufficient to determine the role of this variant in disease. Therefore, it has been classified as a Variant of Uncertain Significance. Algorithms developed to predict the effect of missense changes on protein structure and function output the following: SIFT: "Deleterious"; PolyPhen-2: "Benign"; Align-GVGD: "Class C0". The proline amino acid residue is found in multiple mammalian species, which suggests that this missense change does not adversely affect protein function. This variant has not been reported in the literature in individuals affected with GGCX-related conditions. This variant is not present in population databases (gnomAD no frequency). This sequence change replaces serine, which is neutral and polar, with proline, which is neutral and non-polar, at codon 26 of the GGCX protein (p.Ser26Pro).

NM_000821.7(GGCX):c.76T>C (p.Ser26Pro)

Gene: GGCX (gamma-glutamyl carboxylase; minus strand). Cytogenetic location: 2p11.2.
Variant type: single nucleotide variant.
Coding change: c.76T>C on transcript NM_000821.7 (MANE Select); coding-DNA position 76, T replaced by C.
Protein change: p.Ser26Pro; replaces serine 26 with proline.
Molecular consequence: missense variant. On other transcripts: intron variant (1).
Genome position (GRCh38, 1-based): chr2:85,560,953, A>G on the plus strand (T>C on the coding strand, the complement: GGCX is on the minus strand). VCF-style: chr2-85560953-A-G. GRCh37 (hg19) VCF-style: chr2-85788076-A-G.
Other names: c.76T>C, p.Ser26Pro (NM_001311312.3); c.43+433T>C (NM_001142269.4); short protein forms S26P.
Identifiers: ClinVar variation 2079088 (VCV002079088.4), dbSNP rs2466171562, ClinGen allele CA347493540.